The following is an entry in ClinVar:

NM_005045.4(RELN):c.8486G>A (p.Gly2829Glu)

Genes: RELN (reelin; minus strand), SLC26A5-AS1 (SLC26A5 antisense RNA 1; plus strand). Cytogenetic location: 7q22.1.
Variant type: single nucleotide variant.
Coding change: c.8486G>A on transcript NM_005045.4 (MANE Select); coding-DNA position 8486, G replaced by A.
Protein change: p.Gly2829Glu; replaces glycine 2829 with glutamic acid.
Molecular consequence: missense variant.
Genome position (GRCh38, 1-based): chr7:103,503,019, C>T on the plus strand (G>A on the coding strand, the complement: RELN is on the minus strand). VCF-style: chr7-103503019-C-T. GRCh37 (hg19) VCF-style: chr7-103143466-C-T.
Other names: c.8486G>A, p.Gly2829Glu (NM_173054.3); short protein forms G2829E.
Identifiers: ClinVar variation 2927675 (VCV002927675.3), dbSNP rs757776175, ClinGen allele CA4420473.

ClinVar aggregate classification (germline): Uncertain significance (1 of 4 stars; one submission).

Conditions:
Norman-Roberts syndrome (LIS2). Also called: Lissencephaly 2 (Norman-Roberts type). Identifiers: Orphanet 89844, MedGen C0796089, MONDO:0009760, OMIM 257320.
Familial temporal lobe epilepsy 7. Identifiers: Orphanet 101046, MedGen C4225327, MONDO:0014639, OMIM 616436.

Allele frequency attached by ClinVar (database versions not stated): gnomAD exomes below 0.00001; ExAC 0.00001; gnomAD 0.00001; TOPMed 0.00001.
gnomAD v4.1: 7 of 1,613,390 alleles (0.00043%); highest among the groups gnomAD compares: South Asian, 0.0011%; no homozygotes.

Submission:

Labcorp Genetics (formerly Invitae), Labcorp
Classification: Uncertain significance for Familial temporal lobe epilepsy 7; Norman-Roberts syndrome. Last evaluated: 2023-04-11. Review status: criteria provided, single submitter. Criteria: Invitae Variant Classification Sherloc (09022015). Collection method: clinical testing. Allele origin: germline.
Comment: In summary, the available evidence is currently insufficient to determine the role of this variant in disease. Therefore, it has been classified as a Variant of Uncertain Significance. Advanced modeling of protein sequence and biophysical properties (such as structural, functional, and spatial information, amino acid conservation, physicochemical variation, residue mobility, and thermodynamic stability) performed at Invitae indicates that this missense variant is not expected to disrupt RELN protein function. This variant has not been reported in the literature in individuals affected with RELN-related conditions. This variant is present in population databases (rs757776175, gnomAD 0.002%). This sequence change replaces glycine, which is neutral and non-polar, with glutamic acid, which is acidic and polar, at codon 2829 of the RELN protein (p.Gly2829Glu).